The following is an entry in ClinVar:

ClinVar aggregate classification (germline): Likely benign. Review status: criteria provided, multiple submitters, no conflicts (2 of 4 stars). 3 submissions from 3 submitters: Likely benign (2). 1 of the submissions does not count toward it. Last evaluated 2025-10-29.

Conditions:
FLNB-related disorder. Also called: FLNB-related disorders; FLNB-related condition. Identifiers: MedGen CN381095.

Allele frequency attached by ClinVar (database versions not stated): TOPMed 0.00003; gnomAD 0.00004; ExAC 0.00007; ESP Exome Variant Server 0.00008; gnomAD exomes 0.00009.
gnomAD v4.1: 143 of 1,613,636 alleles (0.0089%); highest among the groups gnomAD compares: South Asian, 0.018%; no homozygotes.

Submissions (3):

Labcorp Genetics (formerly Invitae), Labcorp
Classification: Likely benign. Last evaluated: 2025-10-29. Review status: criteria provided, single submitter. Criteria: Invitae Variant Classification Sherloc (09022015). Collection method: clinical testing. Allele origin: germline.

Blueprint Genetics
Classification: Likely benign. Last evaluated: 2023-02-28. Review status: criteria provided, single submitter. Criteria: ACMG Guidelines, 2015. Collection method: clinical testing. Allele origin: germline.

PreventionGenetics, part of Exact Sciences
Classification: Likely benign for FLNB-related condition. Last evaluated: 2024-03-08. Review status: no assertion criteria provided. Collection method: clinical testing. Allele origin: germline. Not counted in ClinVar's aggregate classification.
Comment: This variant is classified as likely benign based on ACMG/AMP sequence variant interpretation guidelines (Richards et al. 2015 PMID: 25741868, with internal and published modifications).

NM_001457.4(FLNB):c.1533C>T (p.Tyr511=)

Gene: FLNB (filamin B; plus strand). Cytogenetic location: 3p14.3.
Variant type: single nucleotide variant.
Coding change: c.1533C>T on transcript NM_001457.4 (MANE Select); coding-DNA position 1533, C replaced by T.
Protein change: p.Tyr511=; no amino-acid change (tyrosine 511 retained).
Molecular consequence: synonymous variant.
Genome position (GRCh38, 1-based): chr3:58,104,008, C>T. VCF-style: chr3-58104008-C-T. GRCh37 (hg19) VCF-style: chr3-58089735-C-T.
Other names: c.1533C>T (NM_001457.3); c.1533C>T, p.Tyr511= (NM_001164317.2, NM_001164318.2, NM_001164319.2).
Identifiers: ClinVar variation 2174371 (VCV002174371.6), dbSNP rs371251819, ClinGen allele CA2467840.